The following is an entry in ClinVar:

ClinVar aggregate classification (germline): Benign/Likely benign. Review status: criteria provided, multiple submitters, no conflicts (2 of 4 stars). 4 submissions from 4 submitters: Benign (1); Likely benign (2). 1 of the submissions does not count toward it. Last evaluated 2026-01-26.

Conditions:
ANK3-related disorder. Also called: ANK3-related condition.

Allele frequency attached by ClinVar (database versions not stated): gnomAD exomes 0.00132; ExAC 0.00157; 1000 Genomes Project 0.00399; 1000 Genomes Project 30x 0.00406; gnomAD 0.00524 and 0.00564; TOPMed 0.00583; ESP Exome Variant Server 0.00715.
gnomAD v4.1: 1,495 of 1,613,858 alleles (0.093%); highest among the groups gnomAD compares: African/African-American, 1.7%; 15 homozygotes.

Submissions (4):

Labcorp Genetics (formerly Invitae), Labcorp
Classification: Benign. Last evaluated: 2026-01-26. Review status: criteria provided, single submitter. Criteria: Invitae Variant Classification Sherloc (09022015). Collection method: clinical testing. Allele origin: germline.

Genetic Services Laboratory, University of Chicago
Classification: Likely benign. Last evaluated: 2018-04-09. Review status: criteria provided, single submitter. Criteria: ACMG Guidelines, 2015. Collection method: clinical testing. Allele origin: germline. Affected: no.

Breakthrough Genomics
Classification: Likely benign. Review status: criteria provided, single submitter. Criteria: ACMG Guidelines, 2015. Collection method: not provided. Allele origin: germline. Inheritance: Autosomal recessive inheritance. Affected: yes.

PreventionGenetics, part of Exact Sciences
Classification: Benign for ANK3-related condition. Last evaluated: 2020-10-21. Review status: no assertion criteria provided. Collection method: clinical testing. Allele origin: germline. Not counted in ClinVar's aggregate classification.
Comment: This variant is classified as benign based on ACMG/AMP sequence variant interpretation guidelines (Richards et al. 2015 PMID: 25741868, with internal and published modifications).

NM_020987.5(ANK3):c.2544T>C (p.Asp848=)

Gene: ANK3 (ankyrin 3; minus strand). Cytogenetic location: 10q21.2.
Variant type: single nucleotide variant.
Coding change: c.2544T>C on transcript NM_020987.5 (MANE Select); coding-DNA position 2544, T replaced by C.
Protein change: p.Asp848=; no amino-acid change (aspartic acid 848 retained).
Molecular consequence: synonymous variant.
Genome position (GRCh38, 1-based): chr10:60,166,831, A>G on the plus strand (T>C on the coding strand, the complement: ANK3 is on the minus strand). VCF-style: chr10-60166831-A-G. GRCh37 (hg19) VCF-style: chr10-61926589-A-G.
Other names: c.2526T>C, p.Asp842= (NM_001204403.2); c.2493T>C, p.Asp831= (NM_001204404.2); c.2544T>C, p.Asp848= (NM_001320874.2).
Identifiers: ClinVar variation 780864 (VCV000780864.16), dbSNP rs60764245, ClinGen allele CA5512776.